The following is an entry in ClinVar:

ClinVar aggregate classification (germline): Uncertain significance. Review status: criteria provided, multiple submitters, no conflicts (2 of 4 stars). 2 submissions from 2 submitters: Uncertain significance (2). Last evaluated 2024-12-19.

Conditions:
Intellectual developmental disorder, autosomal dominant 43. Also called: Intellectual disability, autosomal dominant 43. Identifiers: MedGen C4707429, MONDO:0014858, OMIM 616977.

Allele frequency attached by ClinVar (database versions not stated): gnomAD 0.00001; gnomAD exomes 0.00001; TOPMed 0.00001.

Submissions (2):

Genomic Medicine Center of Excellence, King Faisal Specialist Hospital and Research Centre
Classification: Uncertain significance for Intellectual developmental disorder, autosomal dominant 43. Last evaluated: 2024-12-19. Review status: criteria provided, single submitter. Criteria: ACMG Guidelines, 2015. Collection method: clinical testing. Allele origin: germline.

Labcorp Genetics (formerly Invitae), Labcorp
Classification: Uncertain significance. Last evaluated: 2023-04-20. Review status: criteria provided, single submitter. Criteria: Invitae Variant Classification Sherloc (09022015). Collection method: clinical testing. Allele origin: germline.
Comment: In summary, the available evidence is currently insufficient to determine the role of this variant in disease. Therefore, it has been classified as a Variant of Uncertain Significance. Experimental studies and prediction algorithms are not available or were not evaluated, and the functional significance of this variant is currently unknown. This variant has not been reported in the literature in individuals affected with HIVEP2-related conditions. This variant is present in population databases (no rsID available, gnomAD 0.002%). This variant, c.6528_6539del, results in the deletion of 4 amino acid(s) of the HIVEP2 protein (p.Gly2177_Gln2180del), but otherwise preserves the integrity of the reading frame.

NM_006734.4(HIVEP2):c.6528_6539del (p.Gly2177_Gln2180del)

Gene: HIVEP2 (HIVEP zinc finger 2; minus strand). Cytogenetic location: 6q24.2.
Variant type: Deletion.
Coding change: c.6528_6539del on transcript NM_006734.4 (MANE Select); coding-DNA positions 6528 to 6539, 12 bases deleted (AGGATTACCTCA).
Protein change: p.Gly2177_Gln2180del.
Molecular consequence: inframe deletion.
Genome position (GRCh38, 1-based): chr6:142,753,909-142,753,920, TGAGGTAATCCT deleted on the plus strand (AGGATTACCTCA on the coding strand, the reverse complement: HIVEP2 is on the minus strand). VCF-style (leftmost placement, unchanged base first): chr6-142753908-CTGAGGTAATCCT-C. GRCh37 (hg19) VCF-style: chr6-143075045-CTGAGGTAATCCT-C.
Identifiers: ClinVar variation 2723491 (VCV002723491.4), dbSNP rs1413313364, ClinGen allele CA570979593.